The following is an entry in ClinVar:

NM_002439.5(MSH3):c.2311G>A (p.Val771Ile)

Gene: MSH3 (mutS homolog 3; plus strand). Cytogenetic location: 5q14.1.
Variant type: single nucleotide variant.
Coding change: c.2311G>A on transcript NM_002439.5 (MANE Select); coding-DNA position 2311, G replaced by A.
Protein change: p.Val771Ile; replaces valine 771 with isoleucine.
Molecular consequence: missense variant.
Genome position (GRCh38, 1-based): chr5:80,775,751, G>A. VCF-style: chr5-80775751-G-A. GRCh37 (hg19) VCF-style: chr5-80071570-G-A.
Other names: short protein forms V771I.
Identifiers: ClinVar variation 3222261 (VCV003222261.1), dbSNP rs1744286979, ClinGen allele CA360280991.

ClinVar aggregate classification (germline): Uncertain significance (1 of 4 stars; one submission).

Conditions:
Hereditary cancer-predisposing syndrome. Also called: Tumor predisposition; Hereditary neoplastic syndrome; Hereditary Cancer Syndrome; Neoplastic Syndromes, Hereditary. Identifiers: Orphanet 140162, MedGen C0027672, MeSH D009386, MONDO:0015356.

Allele frequency attached by ClinVar (database versions not stated): TOPMed below 0.00001.
gnomAD v4.1: 2 of 1,584,752 alleles (0.00013%); highest among the groups gnomAD compares: Non-Finnish European, 0.00017%; no homozygotes.

Submission:

Ambry Genetics
Classification: Uncertain significance for Hereditary cancer-predisposing syndrome. Last evaluated: 2023-10-22. Review status: criteria provided, single submitter. Criteria: Ambry Variant Classification Scheme 2023. Collection method: clinical testing. Allele origin: germline.
Comment: The p.V771I variant (also known as c.2311G>A), located in coding exon 16 of the MSH3 gene, results from a G to A substitution at nucleotide position 2311. The valine at codon 771 is replaced by isoleucine, an amino acid with highly similar properties. This amino acid position is conserved. In addition, this alteration is predicted to be tolerated by in silico analysis. Since supporting evidence is limited at this time, the clinical significance of this alteration remains unclear.